The following is an entry in ClinVar:

NM_001793.6(CDH3):c.*485A>G

Gene: CDH3 (cadherin 3; plus strand). Cytogenetic location: 16q22.1.
Variant type: single nucleotide variant.
Coding change: c.*485A>G on transcript NM_001793.6 (MANE Select); 485 bases downstream of the stop codon, A replaced by G.
Molecular consequence: 3 prime UTR variant.
Genome position (GRCh38, 1-based): chr16:68,698,885, A>G. VCF-style: chr16-68698885-A-G. GRCh37 (hg19) VCF-style: chr16-68732788-A-G.
Other names: c.*718A>G (NM_001317195.3); c.*485A>G (NM_001317196.2).
Identifiers: ClinVar variation 320260 (VCV000320260.5), dbSNP rs192275133, ClinGen allele CA10647971.
Genomic context (GRCh38, chr16:68,698,885, plus strand): 5'-AGTGCAGCCCAGAGCTGCTGGGCCCACTGGCCGTCCTGCATTTCTGGTTTCCAGACCCCA[A>G]TGCCTCCCATTCGGATGGATCTCTGCGTTTTTATACTGAGTGTGCCTAGGTTGCCCCTTA-3'

ClinVar aggregate classification (germline): Likely benign (1 of 4 stars; one submission).

Conditions:
EEM syndrome (EEMS). Identifiers: Orphanet 1897, MedGen C1857041, MONDO:0009155, OMIM 225280.

Allele frequency attached by ClinVar (database versions not stated): 1000 Genomes Project 0.00060; 1000 Genomes Project 30x 0.00094; TOPMed 0.00301; gnomAD 0.00358 and 0.00369; gnomAD exomes 0.00368.
gnomAD v4.1: 591 of 166,774 alleles (0.35%); highest among the groups gnomAD compares: Non-Finnish European, 0.58%; 2 homozygotes.

Submission:

Illumina Laboratory Services, Illumina
Classification: Likely benign for EEM syndrome. Last evaluated: 2018-01-12. Review status: criteria provided, single submitter. Criteria: ICSL Variant Classification Criteria 13 December 2019. Collection method: clinical testing. Allele origin: germline.
Comment: This variant was observed in the ICSL laboratory as part of a predisposition screen in an ostensibly healthy population. It had not been previously curated by ICSL or reported in the Human Gene Mutation Database (HGMD: prior to June 1st, 2018), and was therefore a candidate for classification through an automated scoring system. Utilizing variant allele frequency, disease prevalence and penetrance estimates, and inheritance mode, an automated score was calculated to assess if this variant is too frequent to cause the disease. Based on the score and internal cut-off values, a variant classified as likely benign is not then subjected to further curation. The score for this variant resulted in a classification of likely benign for this disease.